The following is an entry in ClinVar:

NM_000260.4(MYO7A):c.4919del (p.Gly1640fs)

Gene: MYO7A (myosin VIIA; plus strand). Cytogenetic location: 11q13.5.
Variant type: Deletion.
Coding change: c.4919del on transcript NM_000260.4 (MANE Select); coding-DNA position 4919, one base deleted (G; older notation c.4919delG).
Protein change: p.Gly1640fs; shifts the reading frame from glycine 1640.
Molecular consequence: frameshift variant.
Genome position (GRCh38, 1-based): chr11:77,201,514, G deleted; the last of 3 consecutive G bases (chr11:77,201,512-77,201,514); deleting any one gives the same sequence. VCF-style (leftmost placement, unchanged base first): chr11-77201511-CG-C. GRCh37 (hg19) VCF-style: chr11-76912556-CG-C.
Other names: c.4805del, p.Gly1602fs (NM_001127180.2); c.4772del, p.Gly1591fs (NM_001369365.1); short protein forms G1591fs, G1602fs, G1640fs.
Identifiers: ClinVar variation 550868 (VCV000550868.10), dbSNP rs1555101858, ClinGen allele CA658822323.

ClinVar aggregate classification (germline): Pathogenic. Review status: criteria provided, multiple submitters, no conflicts (2 of 4 stars). 3 submissions from 3 submitters: Pathogenic (2). 1 of the submissions does not count toward it. Last evaluated 2025-09-11.

Conditions:
Autosomal recessive nonsyndromic hearing loss 2. Also called: DEAFNESS, AUTOSOMAL RECESSIVE 2; NEUROSENSORY NONSYNDROMIC RECESSIVE DEAFNESS 2. Identifiers: Orphanet 90636, MedGen C1838701, MONDO:0010807, OMIM 600060.
Usher syndrome type 1 (USH1). Also called: RETINITIS PIGMENTOSA AND CONGENITAL DEAFNESS. Identifiers: Orphanet 231169, Orphanet 886, MedGen C1568247, MONDO:0010168, OMIM 276900.
Usher syndrome type 1B (USH1B). Also called: Usher syndrome type IB. Identifiers: MedGen C1848638, MONDO:0700087.

Submissions (3):

Natera, Inc.
Classification: Pathogenic for Usher syndrome type 1B. Last evaluated: 2025-09-11. Review status: criteria provided, single submitter. Criteria: Natera Variant Classification Schema (03/2026). Collection method: clinical testing. Allele origin: germline.
Comment: The c.4919delG variant in MYO7A is a frameshift variant predicted to shift the reading frame beginning at codon 1640 and leads to a stop codon 5 codons downstream. This variant is expected to result in nonsense mediated decay, truncation, or a dysfunctional protein product. This variant is rare in the general population with a frequency below the threshold expected for the associated phenotype(s). This variant has been observed in one or more individuals affected with the associated recessive disease, as either homozygous or compound heterozygous with a second variant (PMID: 20613545). Given the available evidence, this variant is classified as Pathogenic.

Labcorp Genetics (formerly Invitae), Labcorp
Classification: Pathogenic. Last evaluated: 2023-08-07. Review status: criteria provided, single submitter. Criteria: Invitae Variant Classification Sherloc (09022015). Collection method: clinical testing. Allele origin: germline.
Comment: ClinVar contains an entry for this variant (Variation ID: 550868). This sequence change creates a premature translational stop signal (p.Gly1640Alafs*5) in the MYO7A gene. It is expected to result in an absent or disrupted protein product. Loss-of-function variants in MYO7A are known to be pathogenic (PMID: 8900236, 25404053). This variant is not present in population databases (gnomAD no frequency). This premature translational stop signal has been observed in individual(s) with clinical features of Usher syndrome (PMID: 16963483, 20613545). This variant is also known as USH1B, c.4918delG p.G1640fs. For these reasons, this variant has been classified as Pathogenic.

Counsyl
Classification: Likely pathogenic for Usher syndrome type 1; Autosomal recessive nonsyndromic hearing loss 2. Last evaluated: 2017-03-15. Review status: no assertion criteria provided. Collection method: clinical testing. Allele origin: unknown. Not counted in ClinVar's aggregate classification.

Literature cited by the submitters: PubMed 20613545 (cited by 3 submitters); PubMed 8900236 (cited by Labcorp Genetics (formerly Invitae), Labcorp); PubMed 25404053 (cited by Labcorp Genetics (formerly Invitae), Labcorp); PubMed 16963483 (cited by Labcorp Genetics (formerly Invitae), Labcorp and Counsyl).